The following is an entry in ClinVar:

NM_006852.6(TLK2):c.1045G>A (p.Ala349Thr)

Gene: TLK2 (tousled like kinase 2; plus strand). Cytogenetic location: 17q23.2.
Variant type: single nucleotide variant.
Coding change: c.1045G>A on transcript NM_006852.6 (MANE Select); coding-DNA position 1045, G replaced by A.
Protein change: p.Ala349Thr; replaces alanine 349 with threonine.
Molecular consequence: missense variant.
Genome position (GRCh38, 1-based): chr17:62,573,291, G>A. VCF-style: chr17-62573291-G-A. GRCh37 (hg19) VCF-style: chr17-60650652-G-A.
Other names: c.1045G>A, p.Ala349Thr (NM_001284333.3, NM_001375270.1, NM_001375271.1); c.949G>A, p.Ala317Thr (NM_001284363.1, NM_001375272.1); c.598G>A, p.Ala200Thr (NM_001330418.3, NM_001375273.1); c.1087G>A, p.Ala363Thr (NM_001375269.1); c.760G>A, p.Ala254Thr (NM_001411074.1); short protein forms A254T, A317T, A349T, A363T, A200T.
Identifiers: ClinVar variation 2430900 (VCV002430900.2), dbSNP rs2545717715, ClinGen allele CA400501413.

ClinVar aggregate classification (germline): Uncertain significance (1 of 4 stars; one submission).

Submission:

GeneDx
Classification: Uncertain significance. Last evaluated: 2024-04-01. Review status: criteria provided, single submitter. Criteria: GeneDx Variant Classification Process June 2021. Collection method: clinical testing. Allele origin: germline.
Comment: Not observed at significant frequency in large population cohorts (gnomAD); In silico analysis supports that this missense variant does not alter protein structure/function; Has not been previously published as pathogenic or benign to our knowledge